The following is an entry in ClinVar:

NM_014270.5(SLC7A9):c.1210G>T (p.Glu404Ter)

Gene: SLC7A9 (solute carrier family 7 member 9; minus strand). Cytogenetic location: 19q13.11.
Variant type: single nucleotide variant.
Coding change: c.1210G>T on transcript NM_014270.5 (MANE Select); coding-DNA position 1210, G replaced by T.
Protein change: p.Glu404Ter; replaces glutamic acid 404 with a stop codon.
Molecular consequence: nonsense.
Genome position (GRCh38, 1-based): chr19:32,842,182, C>A on the plus strand (G>T on the coding strand, the complement: SLC7A9 is on the minus strand). VCF-style: chr19-32842182-C-A. GRCh37 (hg19) VCF-style: chr19-33333088-C-A.
Other names: c.1210G>T, p.Glu404Ter (NM_001126335.2, NM_001243036.2); short protein forms E404*.
Identifiers: ClinVar variation 2433572 (VCV002433572.4), dbSNP rs766981518, ClinGen allele CA405197793.
Genomic context (GRCh38, chr19:32,842,182, plus strand): 5'-ATTAAAAAATCCAAAGCCACTCGTGACTCTGGGGCTGCAAGCTTACCTTGATAGGCCTTT[C>A]CAGCTCTTTCCTTGTAAATCTCATCACGATGAGTCCTAGAATCGTCAGGCCATAAAACAG-3'

ClinVar aggregate classification (germline): Pathogenic/Likely pathogenic. Review status: criteria provided, multiple submitters, no conflicts (2 of 4 stars). 2 submissions from 2 submitters: Pathogenic (1); Likely pathogenic (1). Last evaluated 2025-08-26.

Conditions:
Cystinuria (CSNU). Also called: CYSTINURIA, TYPE I; CYSTINURIA, TYPE II; CYSTINURIA, TYPE III; Cystinuria, non-type I. Identifiers: Orphanet 214, MedGen C0010691, MONDO:0009067, OMIM 220100, HP:0003131.

Submissions (2):

3billion
Classification: Pathogenic for Cystinuria. Last evaluated: 2025-08-26. Review status: criteria provided, single submitter. Criteria: ACMG Guidelines, 2015. Collection method: clinical testing. Allele origin: germline. Affected: yes.
Comment: The variant is not observed in the gnomAD v4.1.0 dataset. Predicted Consequence/Location: Stop-gained (nonsense): predicted to result in a loss or disruption of normal protein function through nonsense-mediated decay (NMD) or protein truncation. Multiple pathogenic variants are reported downstream of the variant. The variant has been reported to be associated with SLC7A9-related disorder (ClinVar ID: VCV002433572). Therefore, this variant is classified as Pathogenic according to the recommendation of ACMG/AMP guideline.

Revvity Omics, Revvity
Classification: Likely pathogenic for Cystinuria. Last evaluated: 2022-08-03. Review status: criteria provided, single submitter. Criteria: ACMG Guidelines, 2015. Collection method: clinical testing. Allele origin: germline.